The following is an entry in ClinVar:

ClinVar aggregate classification (germline): Uncertain significance (1 of 4 stars; one submission).

Conditions:
Cataract 1 multiple types. Also called: CATARACT, DUFFY-LINKED; CATARACT 1, NUCLEAR PROGRESSIVE; CATARACT 1 WITH MICROCORNEA; CATARACT 1, POSTERIOR SUBCAPSULAR, WITH MICROCORNEA; CATARACT 1, STELLATE NUCLEAR, WITH MICROCORNEA; CATARACT 1, MULTIPLE TYPES, WITH OR WITHOUT MICROCORNEA. Identifiers: Orphanet 1377, MedGen C1861828, MONDO:0007285, OMIM 116200.

Submission:

Labcorp Genetics (formerly Invitae), Labcorp
Classification: Uncertain significance for Cataract 1 multiple types. Last evaluated: 2026-01-05. Review status: criteria provided, single submitter. Criteria: Invitae Variant Classification Sherloc (09022015). Collection method: clinical testing. Allele origin: germline.
Comment: This sequence change replaces valine, which is neutral and non-polar, with leucine, which is neutral and non-polar, at codon 167 of the GJA8 protein (p.Val167Leu). This variant is not present in population databases (gnomAD no frequency). This variant has not been reported in the literature in individuals affected with GJA8-related conditions. ClinVar contains an entry for this variant (Variation ID: 1391756). Invitae Evidence Modeling of protein sequence and biophysical properties (such as structural, functional, and spatial information, amino acid conservation, physicochemical variation, residue mobility, and thermodynamic stability) has been performed for this missense variant. However, the output from this modeling did not meet the statistical confidence thresholds required to predict the impact of this variant on GJA8 protein function. In summary, the available evidence is currently insufficient to determine the role of this variant in disease. Therefore, it has been classified as a Variant of Uncertain Significance.

NM_005267.5(GJA8):c.499G>T (p.Val167Leu)

Gene: GJA8 (gap junction protein alpha 8; plus strand). Cytogenetic location: 1q21.2.
Variant type: single nucleotide variant.
Coding change: c.499G>T on transcript NM_005267.5 (MANE Select); coding-DNA position 499, G replaced by T.
Protein change: p.Val167Leu; replaces valine 167 with leucine.
Molecular consequence: missense variant.
Genome position (GRCh38, 1-based): chr1:147,908,454, G>T. VCF-style: chr1-147908454-G-T. GRCh37 (hg19) VCF-style: chr1-147380581-G-T.
Other names: short protein forms V167L.
Identifiers: ClinVar variation 1391756 (VCV001391756.8), dbSNP rs1426006227, ClinGen allele CA342224706.